The following is an entry in ClinVar:

ClinVar aggregate classification (germline): Likely benign. Review status: criteria provided, single submitter (1 of 4 stars). 2 submissions from 2 submitters: Likely benign (1). 1 of the submissions does not count toward it. Last evaluated 2025-08-21.

Conditions:
DSCAML1-related disorder. Also called: DSCAML1-related condition.

Allele frequency attached by ClinVar (database versions not stated): TOPMed 0.00015; gnomAD 0.00016 and 0.00017; gnomAD exomes 0.00018 and 0.00026; ExAC 0.00026.
gnomAD v4.1: 385 of 1,534,308 alleles (0.025%); highest among the groups gnomAD compares: Non-Finnish European, 0.032%; no homozygotes.

Submissions (2):

Labcorp Genetics (formerly Invitae), Labcorp
Classification: Likely benign. Last evaluated: 2025-08-21. Review status: criteria provided, single submitter. Criteria: Invitae Variant Classification Sherloc (09022015). Collection method: clinical testing. Allele origin: germline.

PreventionGenetics, part of Exact Sciences
Classification: Likely benign for DSCAML1-related condition. Last evaluated: 2019-04-30. Review status: no assertion criteria provided. Collection method: clinical testing. Allele origin: germline. Not counted in ClinVar's aggregate classification.
Comment: This variant is classified as likely benign based on ACMG/AMP sequence variant interpretation guidelines (Richards et al. 2015 PMID: 25741868, with internal and published modifications).

NM_020693.4(DSCAML1):c.6006C>T (p.Ala2002=)

Gene: DSCAML1 (DS cell adhesion molecule like 1; minus strand). Cytogenetic location: 11q23.3.
Variant type: single nucleotide variant.
Coding change: c.6006C>T on transcript NM_020693.4 (MANE Select); coding-DNA position 6006, C replaced by T.
Protein change: p.Ala2002=; no amino-acid change (alanine 2002 retained).
Molecular consequence: synonymous variant.
Genome position (GRCh38, 1-based): chr11:117,428,484, G>A on the plus strand (C>T on the coding strand, the complement: DSCAML1 is on the minus strand). VCF-style: chr11-117428484-G-A. GRCh37 (hg19) VCF-style: chr11-117299200-G-A.
Other names: c.6186C>T (NM_020693.3).
Identifiers: ClinVar variation 1571261 (VCV001571261.10), dbSNP rs764021953, ClinGen allele CA6295896.
Genomic context (GRCh38, chr11:117,428,484, plus strand): 5'-GCCCCCCATTTTGGTGTGTGGGCCCCCGGCTCGTGGAGGCTCGGTGCTGGGGGCCGGAGG[G>A]GCAGCGCTGGGGGCGGTGGGTGGCTCAGCAGGGGTGGGGCCGGGGGCTGGGGGGGCTGTG-3'
Protein context (NP_065744.3, residues 1992-2012): PAEPPTAPSA[Ala2002=]PPAPSTEPPR